The following is an entry in ClinVar:

ClinVar aggregate classification (germline): Uncertain significance (1 of 4 stars; one submission).

Conditions:
Type A2 brachydactyly (BDA2). Also called: BRACHYMESOPHALANGY II; MOHR-WRIEDT TYPE BRACHYDACTYLY; Brachymesophalangy type 2. Identifiers: Orphanet 93396, MedGen C1832702, MONDO:0007216, OMIM 112600, HP:0009372.
Acromesomelic dysplasia 3 (AMD3). Also called: Acromesomelic dysplasia, Demirhan type; CHONDRODYSPLASIA, ACROMESOMELIC, WITH OR WITHOUT GENITAL ANOMALIES. Identifiers: MedGen C4225404, MONDO:0012274, OMIM 609441.

Allele frequency attached by ClinVar (database versions not stated): ESP Exome Variant Server 0.00008; ExAC 0.00020.
gnomAD v4.1: 77 of 1,613,890 alleles (0.0048%); highest among the groups gnomAD compares: Non-Finnish European, 0.0053%; no homozygotes.

Submission:

Labcorp Genetics (formerly Invitae), Labcorp
Classification: Uncertain significance for Type A2 brachydactyly; Acromesomelic dysplasia 3. Last evaluated: 2022-08-22. Review status: criteria provided, single submitter. Criteria: Invitae Variant Classification Sherloc (09022015). Collection method: clinical testing. Allele origin: germline.
Comment: This variant is present in population databases (rs141032424, gnomAD 0.02%). In summary, the available evidence is currently insufficient to determine the role of this variant in disease. Therefore, it has been classified as a Variant of Uncertain Significance. Algorithms developed to predict the effect of missense changes on protein structure and function (SIFT, PolyPhen-2, Align-GVGD) all suggest that this variant is likely to be disruptive. This variant has not been reported in the literature in individuals affected with BMPR1B-related conditions. This sequence change replaces alanine, which is neutral and non-polar, with threonine, which is neutral and polar, at codon 327 of the BMPR1B protein (p.Ala327Thr).

NM_001203.3(BMPR1B):c.979G>A (p.Ala327Thr)

Gene: BMPR1B (bone morphogenetic protein receptor type 1B; plus strand). Cytogenetic location: 4q22.3.
Variant type: single nucleotide variant.
Coding change: c.979G>A on transcript NM_001203.3 (MANE Select); coding-DNA position 979, G replaced by A.
Protein change: p.Ala327Thr; replaces alanine 327 with threonine.
Molecular consequence: missense variant.
Genome position (GRCh38, 1-based): chr4:95,131,415, G>A. VCF-style: chr4-95131415-G-A. GRCh37 (hg19) VCF-style: chr4-96052566-G-A.
Other names: c.979G>A, p.Ala327Thr (NM_001256792.2, NM_001256794.1); c.1069G>A, p.Ala357Thr (NM_001256793.2); short protein forms A357T, A327T.
Identifiers: ClinVar variation 1929410 (VCV001929410.5), dbSNP rs141032424, ClinGen allele CA3015138.
Genomic context (GRCh38, chr4:95,131,415, plus strand): 5'-TCTTCTGTCAGTGGCTTATGTCATTTACACACAGAAATCTTTAGTACTCAAGGCAAACCA[G>A]CAATTGCCCATCGAGATCTGAAAAGTAAAAACATTCTGGTGAAGAAAAATGGAACTTGCT-3'
Protein context (NP_001194.1, residues 317-337): TEIFSTQGKP[Ala327Thr]IAHRDLKSKN